The following is an entry in ClinVar:

ClinVar aggregate classification (germline): Uncertain significance. Review status: criteria provided, multiple submitters, no conflicts (2 of 4 stars). 3 submissions from 3 submitters: Uncertain significance (2). 1 of the submissions does not count toward it. Last evaluated 2024-05-23.

Conditions:
Bardet-Biedl syndrome 9 (BBS9). Identifiers: Orphanet 110, MedGen C1859567, MONDO:0014437, OMIM 615986.
Inborn genetic diseases. Identifiers: MedGen C0950123, MeSH D030342.
BBS9-related disorder. Also called: BBS9-related condition.

Allele frequency attached by ClinVar (database versions not stated): gnomAD 0.00001; gnomAD exomes 0.00001; TOPMed 0.00001.
gnomAD v4.1: 10 of 1,608,398 alleles (0.00062%); highest among the groups gnomAD compares: Non-Finnish European, 0.00085%; no homozygotes.

Submissions (3):

Fulgent Genetics
Classification: Uncertain significance for Bardet-Biedl syndrome 9. Last evaluated: 2024-05-23. Review status: criteria provided, single submitter. Criteria: ACMG Guidelines, 2015. Collection method: clinical testing. Allele origin: germline.

Ambry Genetics
Classification: Uncertain significance for Inborn genetic diseases. Last evaluated: 2022-10-04. Review status: criteria provided, single submitter. Criteria: Ambry Variant Classification Scheme 2023. Collection method: clinical testing. Allele origin: germline.

PreventionGenetics, part of Exact Sciences
Classification: Uncertain significance for BBS9-related condition. Last evaluated: 2024-04-19. Review status: no assertion criteria provided. Collection method: clinical testing. Allele origin: germline. Not counted in ClinVar's aggregate classification.
Comment: The BBS9 c.1183G>A variant is predicted to result in the amino acid substitution p.Val395Ile. To our knowledge, this variant has not been reported in the literature. This variant is reported in 0.0018% of alleles in individuals of European (Non-Finnish) descent in gnomAD. At this time, the clinical significance of this variant is uncertain due to the absence of conclusive functional and genetic evidence.

NM_198428.3(BBS9):c.1183G>A (p.Val395Ile)

Gene: BBS9 (Bardet-Biedl syndrome 9; plus strand). Cytogenetic location: 7p14.3.
Variant type: single nucleotide variant.
Coding change: c.1183G>A on transcript NM_198428.3 (MANE Select); coding-DNA position 1183, G replaced by A.
Protein change: p.Val395Ile; replaces valine 395 with isoleucine.
Molecular consequence: missense variant. On other transcripts: non-coding transcript variant (3).
Genome position (GRCh38, 1-based): chr7:33,336,607, G>A. VCF-style: chr7-33336607-G-A. GRCh37 (hg19) VCF-style: chr7-33376219-G-A.
Other names: c.1183G>A, p.Val395Ile (NM_001033604.2, NM_001033605.2, NM_001348036.1 and 7 more transcripts); c.817G>A, p.Val273Ile (NM_001348037.3, NM_001348044.3, NM_001348045.3 and 1 more transcripts); c.910G>A, p.Val304Ile (NM_001348038.3, NM_001348039.3); c.1048G>A, p.Val350Ile (NM_001348042.3); short protein forms V304I, V350I, V273I, V395I.
Identifiers: ClinVar variation 2316182 (VCV002316182.4), dbSNP rs1300725879, ClinGen allele CA367254794.